The following is an entry in ClinVar:

ClinVar aggregate classification (germline): Benign/Likely benign. Review status: criteria provided, multiple submitters, no conflicts (2 of 4 stars). 4 submissions from 4 submitters: Benign (1); Likely benign (3). Last evaluated 2026-01-20.

Conditions:
Hereditary cancer-predisposing syndrome. Also called: Tumor predisposition; Neoplastic Syndromes, Hereditary; Hereditary neoplastic syndrome; Hereditary Cancer Syndrome. Identifiers: Orphanet 140162, MedGen C0027672, MeSH D009386, MONDO:0015356.
Oligodontia-cancer predisposition syndrome. Also called: TOOTH AGENESIS-COLORECTAL CANCER SYNDROME. Identifiers: Orphanet 300576, MedGen C1837750, MONDO:0012075, OMIM 608615. Disease mechanism: loss of function.

Allele frequency attached by ClinVar (database versions not stated): gnomAD 0.00001; gnomAD exomes 0.00001; TOPMed 0.00002; ESP Exome Variant Server 0.00016.
gnomAD v4.1: 10 of 1,559,586 alleles (0.00064%); highest among the groups gnomAD compares: African/African-American, 0.0014%; no homozygotes.

Submissions (4):

Labcorp Genetics (formerly Invitae), Labcorp
Classification: Likely benign for Oligodontia-cancer predisposition syndrome. Last evaluated: 2026-01-20. Review status: criteria provided, single submitter. Criteria: Invitae Variant Classification Sherloc (09022015). Collection method: clinical testing. Allele origin: germline.

Myriad Genetics, Inc.
Classification: Benign for Oligodontia-cancer predisposition syndrome. Last evaluated: 2024-07-02. Review status: criteria provided, single submitter. Criteria: Myriad Autosomal Dominant, Autosomal Recessive and X-Linked Classification Criteria (2023). Collection method: clinical testing. Allele origin: unknown.
Comment: This variant is considered benign. This variant is a silent/synonymous amino acid change and it is not expected to impact splicing.

Ambry Genetics
Classification: Likely benign for Hereditary cancer-predisposing syndrome. Last evaluated: 2020-02-08. Review status: criteria provided, single submitter. Criteria: Ambry Variant Classification Scheme 2023. Collection method: clinical testing. Allele origin: germline.

GeneDx
Classification: Likely benign. Last evaluated: 2018-08-13. Review status: criteria provided, single submitter. Criteria: GeneDx Variant Classification Process June 2021. Collection method: clinical testing. Allele origin: germline. Affected: yes.
Comment: This variant is associated with the following publications: (PMID: 24011952)

NM_004655.4(AXIN2):c.1320C>T (p.Asp440=)

Gene: AXIN2 (axin 2; minus strand). Cytogenetic location: 17q24.1.
Variant type: single nucleotide variant.
Coding change: c.1320C>T on transcript NM_004655.4 (MANE Select); coding-DNA position 1320, C replaced by T.
Protein change: p.Asp440=; no amino-acid change (aspartic acid 440 retained).
Molecular consequence: synonymous variant.
Genome position (GRCh38, 1-based): chr17:65,537,716, G>A on the plus strand (C>T on the coding strand, the complement: AXIN2 is on the minus strand). VCF-style: chr17-65537716-G-A. GRCh37 (hg19) VCF-style: chr17-63533834-G-A.
Other names: c.1320C>T (LRG_296t1); c.1320C>T, p.Asp440= (NM_001363813.1).
Identifiers: ClinVar variation 415235 (VCV000415235.17), dbSNP rs376935084, ClinGen allele CA16615597.